The following is an entry in ClinVar:

ClinVar aggregate classification (germline): Uncertain significance. Review status: criteria provided, multiple submitters, no conflicts (2 of 4 stars). 2 submissions from 2 submitters: Uncertain significance (2). Last evaluated 2024-09-15.

Conditions:
Adams-Oliver syndrome 5 (AOS5). Identifiers: Orphanet 974, MedGen C4014970, MONDO:0014459, OMIM 616028.
NOTCH1-related disorder. Also called: NOTCH1-related disorders; NOTCH1-related condition.

Submissions (2):

Labcorp Genetics (formerly Invitae), Labcorp
Classification: Uncertain significance for Adams-Oliver syndrome 5. Last evaluated: 2024-09-15. Review status: criteria provided, single submitter. Criteria: Invitae Variant Classification Sherloc (09022015). Collection method: clinical testing. Allele origin: germline.
Comment: This sequence change falls in intron 9 of the NOTCH1 gene. It does not directly change the encoded amino acid sequence of the NOTCH1 protein. This variant is not present in population databases (gnomAD no frequency). This variant has not been reported in the literature in individuals affected with NOTCH1-related conditions. ClinVar contains an entry for this variant (Variation ID: 2630603). Algorithms developed to predict the effect of sequence changes on RNA splicing suggest that this variant may disrupt the consensus splice site. In summary, the available evidence is currently insufficient to determine the role of this variant in disease. Therefore, it has been classified as a Variant of Uncertain Significance.

PreventionGenetics, part of Exact Sciences
Classification: Uncertain significance for NOTCH1-related condition. Last evaluated: 2023-02-17. Review status: criteria provided, single submitter. Criteria: ACMG Guidelines, 2015. Collection method: clinical testing. Allele origin: germline.
Comment: The NOTCH1 c.1556-8G>A variant is predicted to interfere with splicing. This variant is predicted to weaken the canonical splice acceptor site and create a cryptic splice acceptor site based on available splicing prediction programs (Alamut Visual Plus v1.6.1). However, such computer prediction programs are imperfect. To our knowledge, this variant has not been reported in the literature or in a large population database, indicating this variant is rare. At this time, the clinical significance of this variant is uncertain due to the absence of conclusive functional and genetic evidence.

NM_017617.5(NOTCH1):c.1556-8G>A

Gene: NOTCH1 (notch receptor 1; minus strand). Cytogenetic location: 9q34.3.
Variant type: single nucleotide variant.
Coding change: c.1556-8G>A on transcript NM_017617.5 (MANE Select); 8 bases into the intron before coding-DNA position 1556, G replaced by A.
Molecular consequence: intron variant.
Genome position (GRCh38, 1-based): chr9:136,516,102, C>T on the plus strand (G>A on the coding strand, the complement: NOTCH1 is on the minus strand). VCF-style: chr9-136516102-C-T. GRCh37 (hg19) VCF-style: chr9-139410554-C-T.
Identifiers: ClinVar variation 2630603 (VCV002630603.3), dbSNP rs776434236, ClinGen allele CA2692640770.
Genomic context (GRCh38, chr9:136,516,102, plus strand): 5'-GGGGGTGCTGGCACACTCGTCCACATCGTACTGGCACAGATGCCCAGTGAAGCCTGGGGC[C>T]GGGGAGGGGAGGGGAGGGAGTCATGTGCAACAGCACTATGGCCCTTCAGGGACCCCTGGC-3'